The following is an entry in ClinVar:

ClinVar aggregate classification (germline): Uncertain significance (1 of 4 stars; one submission).

Allele frequency attached by ClinVar (database versions not stated): gnomAD exomes below 0.00001.

Submission:

Labcorp Genetics (formerly Invitae), Labcorp
Classification: Uncertain significance. Last evaluated: 2022-09-10. Review status: criteria provided, single submitter. Criteria: Invitae Variant Classification Sherloc (09022015). Collection method: clinical testing. Allele origin: germline.
Comment: This sequence change falls in intron 2 of the KCNK4 gene. It does not directly change the encoded amino acid sequence of the KCNK4 protein. It affects a nucleotide within the consensus splice site. This variant is present in population databases (no rsID available, gnomAD 0.004%). This variant has not been reported in the literature in individuals affected with KCNK4-related conditions. Variants that disrupt the consensus splice site are a relatively common cause of aberrant splicing (PMID: 17576681, 9536098). Algorithms developed to predict the effect of sequence changes on RNA splicing suggest that this variant is not likely to affect RNA splicing. In summary, the available evidence is currently insufficient to determine the role of this variant in disease. Therefore, it has been classified as a Variant of Uncertain Significance.

Literature cited by the submitters: PubMed 17576681; PubMed 9536098.

NM_033310.3(KCNK4):c.189+5G>A

Genes: KCNK4 (potassium two pore domain channel subfamily K member 4; plus strand), KCNK4-CATSPERZ (KCNK4-CATSPERZ readthrough (NMD candidate); plus strand). Cytogenetic location: 11q13.1.
Variant type: single nucleotide variant.
Coding change: c.189+5G>A on transcript NM_033310.3 (MANE Select); 5 bases into the intron after coding-DNA position 189, G replaced by A.
Molecular consequence: intron variant.
Genome position (GRCh38, 1-based): chr11:64,293,212, G>A. VCF-style: chr11-64293212-G-A. GRCh37 (hg19) VCF-style: chr11-64060684-G-A.
Other names: c.189+5G>A (NM_001317090.2).
Identifiers: ClinVar variation 1932509 (VCV001932509.5), dbSNP rs1338286983, ClinGen allele CA599648381.